The following is an entry in ClinVar:

NM_006766.5(KAT6A):c.4228A>G (p.Lys1410Glu)

Gene: KAT6A (lysine acetyltransferase 6A; minus strand). Cytogenetic location: 8p11.21.
Variant type: single nucleotide variant.
Coding change: c.4228A>G on transcript NM_006766.5 (MANE Select); coding-DNA position 4228, A replaced by G.
Protein change: p.Lys1410Glu; replaces lysine 1410 with glutamic acid.
Molecular consequence: missense variant.
Genome position (GRCh38, 1-based): chr8:41,933,992, T>C on the plus strand (A>G on the coding strand, the complement: KAT6A is on the minus strand). VCF-style: chr8-41933992-T-C. GRCh37 (hg19) VCF-style: chr8-41791510-T-C.
Other names: short protein forms K1410E.
Identifiers: ClinVar variation 4858587 (VCV004858587.1).

ClinVar aggregate classification (germline): Uncertain significance (1 of 4 stars; one submission).

Conditions:
Inborn genetic diseases. Identifiers: MedGen C0950123, MeSH D030342.

Submission:

Ambry Genetics
Classification: Uncertain significance for Inborn genetic diseases. Last evaluated: 2026-04-16. Review status: criteria provided, single submitter. Criteria: Ambry Variant Classification Scheme 2023. Collection method: clinical testing. Allele origin: germline.
Comment: The c.4228A>G (p.K1410E) alteration is located in exon 17 (coding exon 16) of the KAT6A gene. This alteration results from a A to G substitution at nucleotide position 4228, causing the lysine (K) at amino acid position 1410 to be replaced by a glutamic acid (E). Based on data from gnomAD, the G allele has an overall frequency of <0.001% (0/251222) total alleles studied. The highest observed frequency was <0.001% (/) of alleles. Based on insufficient or conflicting evidence, the clinical significance of this alteration remains unclear.